The following is an entry in ClinVar:

ClinVar aggregate classification (germline): Likely benign (1 of 4 stars; one submission).

Conditions:
MAP3K14-related disorder. Also called: MAP3K14-related condition.

gnomAD v4.1: 3 of 1,590,722 alleles (0.00019%); highest among the groups gnomAD compares: Non-Finnish European, 0.00026%; no homozygotes.

Submission:

PreventionGenetics, part of Exact Sciences
Classification: Likely benign for MAP3K14-related condition. Last evaluated: 2026-09-24. Review status: criteria provided, single submitter. Criteria: ACMG Guidelines, 2015. Collection method: clinical testing. Allele origin: germline.
Comment: This variant is classified as likely benign based on ACMG/AMP sequence variant interpretation guidelines (Richards et al. 2015 PMID: 25741868, with internal and published modifications).

NM_003954.5(MAP3K14):c.2415G>A (p.Leu805=)

Genes: MAP3K14 (mitogen-activated protein kinase kinase kinase 14; minus strand), MAP3K14-AS1 (MAP3K14 antisense RNA 1; plus strand), LOC126862575 (CDK7 strongly-dependent group 2 enhancer GRCh37_chr17:43344006-43345205; plus strand). Cytogenetic location: 17q21.31.
Variant type: single nucleotide variant.
Coding change: c.2415G>A on transcript NM_003954.5 (MANE Select); coding-DNA position 2415, G replaced by A.
Protein change: p.Leu805=; no amino-acid change (leucine 805 retained).
Molecular consequence: synonymous variant.
Genome position (GRCh38, 1-based): chr17:45,267,110, C>T on the plus strand (G>A on the coding strand, the complement: MAP3K14 is on the minus strand). VCF-style: chr17-45267110-C-T. GRCh37 (hg19) VCF-style: chr17-43344477-C-T.
Identifiers: ClinVar variation 4981249 (VCV004981249.1).